The following is an entry in ClinVar:

ClinVar aggregate classification (germline): Uncertain significance (1 of 4 stars; one submission).

Conditions:
Nemaline myopathy 8 (NEM8). Also called: Nemaline myopathy 8, autosomal recessive. Identifiers: Orphanet 171430, MedGen C3809209, MONDO:0014138, OMIM 615348.

Allele frequency attached by ClinVar (database versions not stated): gnomAD exomes below 0.00001.
gnomAD v4.1: 3 of 1,612,790 alleles (0.00019%); highest among the groups gnomAD compares: Non-Finnish European, 0.000085%; no homozygotes.

Submission:

Labcorp Genetics (formerly Invitae), Labcorp
Classification: Uncertain significance for Nemaline myopathy 8. Last evaluated: 2023-07-10. Review status: criteria provided, single submitter. Criteria: Invitae Variant Classification Sherloc (09022015). Collection method: clinical testing. Allele origin: germline.
Comment: Advanced modeling of protein sequence and biophysical properties (such as structural, functional, and spatial information, amino acid conservation, physicochemical variation, residue mobility, and thermodynamic stability) performed at Invitae indicates that this missense variant is not expected to disrupt KLHL40 protein function. In summary, the available evidence is currently insufficient to determine the role of this variant in disease. Therefore, it has been classified as a Variant of Uncertain Significance. ClinVar contains an entry for this variant (Variation ID: 2185026). This variant has not been reported in the literature in individuals affected with KLHL40-related conditions. This variant is present in population databases (no rsID available, gnomAD 0.0009%). This sequence change replaces valine, which is neutral and non-polar, with alanine, which is neutral and non-polar, at codon 576 of the KLHL40 protein (p.Val576Ala).

NM_152393.4(KLHL40):c.1727T>C (p.Val576Ala)

Gene: KLHL40 (kelch like family member 40; plus strand). Cytogenetic location: 3p22.1.
Variant type: single nucleotide variant.
Coding change: c.1727T>C on transcript NM_152393.4 (MANE Select); coding-DNA position 1727, T replaced by C.
Protein change: p.Val576Ala; replaces valine 576 with alanine.
Molecular consequence: missense variant.
Genome position (GRCh38, 1-based): chr3:42,690,978, T>C. VCF-style: chr3-42690978-T-C. GRCh37 (hg19) VCF-style: chr3-42732470-T-C.
Other names: short protein forms V576A.
Identifiers: ClinVar variation 2185026 (VCV002185026.4), dbSNP rs1249532332, ClinGen allele CA352295332.